The following is an entry in ClinVar:

ClinVar aggregate classification (germline): Benign/Likely benign. Review status: criteria provided, multiple submitters, no conflicts (2 of 4 stars). 5 submissions from 5 submitters: Benign (2); Likely benign (2). 1 of the submissions does not count toward it. Last evaluated 2025-12-25.

Conditions:
TGFB1-related disorder. Also called: TGFB1-related condition.

Allele frequency attached by ClinVar (database versions not stated): TOPMed 0.00002; 1000 Genomes Project 30x 0.00078; 1000 Genomes Project 0.00080.
gnomAD v4.1: 472 of 1,613,702 alleles (0.029%); highest among the groups gnomAD compares: Middle Eastern, 0.53%; 5 homozygotes.

Submissions (5):

Labcorp Genetics (formerly Invitae), Labcorp
Classification: Likely benign. Last evaluated: 2025-12-25. Review status: criteria provided, single submitter. Criteria: Invitae Variant Classification Sherloc (09022015). Collection method: clinical testing. Allele origin: germline.

Blueprint Genetics
Classification: Benign. Last evaluated: 2024-06-27. Review status: criteria provided, single submitter. Criteria: ACMG Guidelines, 2015. Collection method: clinical testing. Allele origin: germline.

CeGaT Center for Human Genetics Tuebingen
Classification: Likely benign. Last evaluated: 2023-07-01. Review status: criteria provided, single submitter. Criteria: CeGaT Center For Human Genetics Tuebingen Variant Classification Criteria Version 2. Collection method: clinical testing. Allele origin: germline. Affected: yes. Observed: 2 variant alleles.
Comment: TGFB1: BS2

Eurofins Ntd Llc (ga)
Classification: Benign. Last evaluated: 2018-05-21. Review status: criteria provided, single submitter. Criteria: EGL ClinVar v180209 classification definitions. Collection method: clinical testing. Allele origin: germline. Observed: 1 variant allele, 1 heterozygote.

PreventionGenetics, part of Exact Sciences
Classification: Likely benign for TGFB1-related condition. Last evaluated: 2022-08-31. Review status: no assertion criteria provided. Collection method: clinical testing. Allele origin: germline. Not counted in ClinVar's aggregate classification.
Comment: This variant is classified as likely benign based on ACMG/AMP sequence variant interpretation guidelines (Richards et al. 2015 PMID: 25741868, with internal and published modifications).

NM_000660.7(TGFB1):c.1010G>C (p.Ser337Thr)

Gene: TGFB1 (transforming growth factor beta 1; minus strand). Cytogenetic location: 19q13.2.
Variant type: single nucleotide variant.
Coding change: c.1010G>C on transcript NM_000660.7 (MANE Select); coding-DNA position 1010, G replaced by C.
Protein change: p.Ser337Thr; replaces serine 337 with threonine.
Molecular consequence: missense variant.
Genome position (GRCh38, 1-based): chr19:41,332,132, C>G on the plus strand (G>C on the coding strand, the complement: TGFB1 is on the minus strand). VCF-style: chr19-41332132-C-G. GRCh37 (hg19) VCF-style: chr19-41838037-C-G.
Other names: c.1010G>C (NM_000660.6); short protein forms S337T.
Identifiers: ClinVar variation 597021 (VCV000597021.39), dbSNP rs199699574, ClinGen allele CA9459931.